The following is an entry in ClinVar:

NM_005359.6(SMAD4):c.231A>G (p.Thr77=)

Gene: SMAD4 (SMAD family member 4; plus strand). Cytogenetic location: 18q21.2.
Variant type: single nucleotide variant.
Coding change: c.231A>G on transcript NM_005359.6 (MANE Select); coding-DNA position 231, A replaced by G.
Protein change: p.Thr77=; no amino-acid change (threonine 77 retained).
Molecular consequence: synonymous variant.
Genome position (GRCh38, 1-based): chr18:51,047,277, A>G. VCF-style: chr18-51047277-A-G. GRCh37 (hg19) VCF-style: chr18-48573647-A-G.
Identifiers: ClinVar variation 183926 (VCV000183926.20), dbSNP rs760990830, ClinGen allele CA187003.

ClinVar aggregate classification (germline): Benign/Likely benign. Review status: criteria provided, multiple submitters, no conflicts (2 of 4 stars). 6 submissions from 6 submitters: Benign (1); Likely benign (5). Last evaluated 2026-03-16.

Conditions:
Juvenile polyposis syndrome (JPS). Identifiers: Orphanet 2929, MedGen C0345893, MONDO:0017380, OMIM 174900.
Familial thoracic aortic aneurysm and aortic dissection (TAAD). Also called: Thoracic aortic aneurysms and dissections. Identifiers: Orphanet 91387, MedGen C4707243, MONDO:0019625.
Hereditary cancer-predisposing syndrome. Also called: Neoplastic Syndromes, Hereditary; Tumor predisposition; Hereditary neoplastic syndrome; Hereditary Cancer Syndrome. Identifiers: Orphanet 140162, MedGen C0027672, MeSH D009386, MONDO:0015356.
Juvenile polyposis/hereditary hemorrhagic telangiectasia syndrome (JPHT). Also called: JP/HHT SYNDROME; JUVENILE POLYPOSIS WITH HEREDITARY HEMORRHAGIC TELANGIECTASIA; POLYPOSIS, GENERALIZED JUVENILE, WITH PULMONARY ARTERIOVENOUS MALFORMATION; TELANGIECTASIA, HEREDITARY HEMORRHAGIC, WITH JUVENILE POLYPOSIS COLI; Juvenile Polyposis Syndrome / Hereditary Hemorrhagic Telangiectasia (JPS/HHT). Identifiers: Orphanet 2929, MedGen C1832942, MONDO:0008278, OMIM 175050.

Allele frequency attached by ClinVar (database versions not stated): gnomAD 0.00001; gnomAD exomes 0.00001; ExAC 0.00002.
gnomAD v4.1: 9 of 1,613,834 alleles (0.00056%); highest among the groups gnomAD compares: East Asian, 0.0022%; no homozygotes.

Submissions (6):

Women's Health and Genetics/Laboratory Corporation of America, LabCorp
Classification: Likely benign. Last evaluated: 2026-03-16. Review status: criteria provided, single submitter. Criteria: LabCorp Variant Classification Summary - May 2015. Collection method: clinical testing. Allele origin: germline.

Labcorp Genetics (formerly Invitae), Labcorp
Classification: Likely benign for Juvenile polyposis syndrome. Last evaluated: 2025-04-24. Review status: criteria provided, single submitter. Criteria: Invitae Variant Classification Sherloc (09022015). Collection method: clinical testing. Allele origin: germline.

Myriad Genetics, Inc.
Classification: Benign for Juvenile polyposis/hereditary hemorrhagic telangiectasia syndrome. Last evaluated: 2025-03-18. Review status: criteria provided, single submitter. Criteria: Myriad Autosomal Dominant, Autosomal Recessive and X-Linked Classification Criteria (2023). Collection method: clinical testing. Allele origin: unknown.
Comment: This variant is considered benign. This variant is a silent/synonymous amino acid change and it is not expected to impact splicing.

Sema4
Classification: Likely benign for Hereditary cancer-predisposing syndrome. Last evaluated: 2022-02-19. Review status: criteria provided, single submitter. Criteria: Sema4 Curation Guidelines. Collection method: curation. Allele origin: germline.

Ambry Genetics
Classification: Likely benign for Hereditary cancer-predisposing syndrome; Familial thoracic aortic aneurysm and aortic dissection. Last evaluated: 2018-01-09. Review status: criteria provided, single submitter. Criteria: Ambry Variant Classification Scheme 2023. Collection method: clinical testing. Allele origin: germline.

Color Diagnostics, LLC DBA Color Health
Classification: Likely benign for Hereditary cancer-predisposing syndrome. Last evaluated: 2016-03-21. Review status: criteria provided, single submitter. Criteria: ACMG Guidelines, 2015. Collection method: clinical testing. Allele origin: germline.